The following is an entry in ClinVar:

ClinVar aggregate classification (germline): Uncertain significance. Review status: criteria provided, multiple submitters, no conflicts (2 of 4 stars). 2 submissions from 2 submitters: Uncertain significance (2). Last evaluated 2024-02-27.

Conditions:
Charcot-Marie-Tooth disease dominant intermediate D. Also called: Charcot-Marie-Tooth disease dominant intermediate 3; CMT DI3; CHARCOT-MARIE-TOOTH NEUROPATHY, DOMINANT INTERMEDIATE D. Identifiers: Orphanet 100046, MedGen C1843075, MONDO:0011909, OMIM 607791.
Charcot-Marie-Tooth disease type 2I (CMT2I). Also called: CHARCOT-MARIE-TOOTH DISEASE, AXONAL, TYPE 2I. Identifiers: Orphanet 99942, MedGen C3888087, MONDO:0011889, OMIM 607677.
Charcot-Marie-Tooth disease type 2J (CMT2J). Also called: CHARCOT-MARIE-TOOTH DISEASE, AXONAL, TYPE 2J; CHARCOT-MARIE-TOOTH DISEASE, TYPE 2, WITH HEARING LOSS AND PUPILLARY ABNORMALITIES; CHARCOT-MARIE-TOOTH NEUROPATHY, TYPE 2J. Identifiers: Orphanet 99943, MedGen C1843153, MONDO:0011903, OMIM 607736.
Charcot-Marie-Tooth disease type 1B. Also called: PERONEAL MUSCULAR ATROPHY; Charcot-Marie-Tooth disease, demyelinating, type 1b; Hereditary motor and sensory neuropathy 1B; Charcot-Marie-Tooth disease, type IB; CHARCOT-MARIE-TOOTH DISEASE, AUTOSOMAL DOMINANT, WITH FOCALLY FOLDED MYELIN SHEATHS, TYPE 1B; CHARCOT-MARIE-TOOTH DISEASE, SLOW NERVE CONDUCTION TYPE, LINKED TO DUFFY. Identifiers: Orphanet 101082, MedGen C0270912, MONDO:0007307, OMIM 118200.
Charcot-Marie-Tooth disease, type I (CMT1). Also called: Charcot-Marie-Tooth disease type 1; Charcot-Marie-Tooth, Type 1. Identifiers: Orphanet 65753, MedGen C0751036, MONDO:0019011.

gnomAD v4.1: 1 of 1,614,174 alleles (0.000062%); highest among the groups gnomAD compares: South Asian, 0.0011%; no homozygotes.

Submissions (2):

Labcorp Genetics (formerly Invitae), Labcorp
Classification: Uncertain significance for Charcot-Marie-Tooth disease, type I. Last evaluated: 2024-02-27. Review status: criteria provided, single submitter. Criteria: Invitae Variant Classification Sherloc (09022015). Collection method: clinical testing. Allele origin: germline.
Comment: This sequence change replaces glycine, which is neutral and non-polar, with arginine, which is basic and polar, at codon 155 of the MPZ protein (p.Gly155Arg). This variant is not present in population databases (gnomAD no frequency). This variant has not been reported in the literature in individuals affected with MPZ-related conditions. ClinVar contains an entry for this variant (Variation ID: 2505530). Advanced modeling of protein sequence and biophysical properties (such as structural, functional, and spatial information, amino acid conservation, physicochemical variation, residue mobility, and thermodynamic stability) has been performed at Invitae for this missense variant, however the output from this modeling did not meet the statistical confidence thresholds required to predict the impact of this variant on MPZ protein function. In summary, the available evidence is currently insufficient to determine the role of this variant in disease. Therefore, it has been classified as a Variant of Uncertain Significance.

Dr. med. U. Finckh, Human Genetics, Eurofins MVZ
Classification: Uncertain significance for Charcot-Marie-Tooth disease dominant intermediate D; Charcot-Marie-Tooth disease type 1B; Charcot-Marie-Tooth disease type 2I; Charcot-Marie-Tooth disease type 2J. Last evaluated: 2023-01-01. Review status: criteria provided, single submitter. Criteria: ACMG Guidelines, 2015. Collection method: clinical testing. Allele origin: unknown.

NM_000530.8(MPZ):c.463G>A (p.Gly155Arg)

Gene: MPZ (myelin protein zero; minus strand). Cytogenetic location: 1q23.3.
Variant type: single nucleotide variant.
Coding change: c.463G>A on transcript NM_000530.8 (MANE Select); coding-DNA position 463, G replaced by A.
Protein change: p.Gly155Arg; replaces glycine 155 with arginine.
Molecular consequence: missense variant.
Genome position (GRCh38, 1-based): chr1:161,306,450, C>T on the plus strand (G>A on the coding strand, the complement: MPZ is on the minus strand). VCF-style: chr1-161306450-C-T. GRCh37 (hg19) VCF-style: chr1-161276240-C-T.
Other names: c.463G>A, p.Gly155Arg (NM_001315491.2); short protein forms G155R.
Identifiers: ClinVar variation 2505530 (VCV002505530.4), dbSNP rs1430687377, ClinGen allele CA343346518.